The following is an entry in ClinVar:

NM_001009944.3(PKD1):c.7430G>A (p.Arg2477His)

Gene: PKD1 (polycystin 1, transient receptor potential channel interacting; minus strand). Cytogenetic location: 16p13.3.
Variant type: single nucleotide variant.
Coding change: c.7430G>A on transcript NM_001009944.3 (MANE Select); coding-DNA position 7430, G replaced by A.
Protein change: p.Arg2477His; replaces arginine 2477 with histidine.
Molecular consequence: missense variant.
Genome position (GRCh38, 1-based): chr16:2,106,457, C>T on the plus strand (G>A on the coding strand, the complement: PKD1 is on the minus strand). VCF-style: chr16-2106457-C-T. GRCh37 (hg19) VCF-style: chr16-2156458-C-T.
Other names: c.7430G>A, p.Arg2477His (NM_000296.4); c.7430G>A (NM_000296.3); short protein forms R2477H.
Identifiers: ClinVar variation 803163 (VCV000803163.16), dbSNP rs556618384, ClinGen allele CA7831137.

ClinVar aggregate classification (germline): Conflicting classifications of pathogenicity. Review status: criteria provided, conflicting classifications (1 of 4 stars). 8 submissions from 8 submitters: Uncertain significance (2); Likely benign (4). 2 of the submissions do not count toward it. Last evaluated 2026-04-20.

Conditions:
Polycystic kidney disease. Also called: Polycystic kidney dysplasia; Kidney, Polycystic. Identifiers: MedGen C0022680, MeSH D007690, MONDO:0020642, HP:0000113.
PKD1-related disorder. Also called: PKD1-related condition.
Inborn genetic diseases. Identifiers: MedGen C0950123, MeSH D030342.
Polycystic kidney disease, adult type (PKD1). Also called: Polycystic Kidney Disease 1, Autosomal Dominant; Polycystic kidney disease 1; Polycystic kidney disease 1, severe; Polycystic Kidney, Autosomal Dominant; POLYCYSTIC KIDNEY DISEASE 1 WITH OR WITHOUT POLYCYSTIC LIVER DISEASE; POLYCYSTIC KIDNEY DISEASE, ADULT, TYPE I. Identifiers: MedGen C3149841, MONDO:0008263, OMIM 173900.

Allele frequency attached by ClinVar (database versions not stated): TOPMed 0.00018; gnomAD 0.00019 and 0.00020; 1000 Genomes Project 0.00040; gnomAD exomes 0.00059 and 0.00011; 1000 Genomes Project 30x 0.00062; ExAC 0.00076.
gnomAD v4.1: 183 of 1,589,792 alleles (0.012%); highest among the groups gnomAD compares: East Asian, 0.28%; 1 homozygote.

Submissions (8):

Women's Health and Genetics/Laboratory Corporation of America, LabCorp
Classification: Uncertain significance. Last evaluated: 2026-04-20. Review status: criteria provided, single submitter. Criteria: LabCorp Variant Classification Summary - May 2015. Collection method: clinical testing. Allele origin: germline.
Comment: Variant summary: PKD1 c.7430G>A (p.Arg2477His) results in a non-conservative amino acid change in the encoded protein sequence. Algorithms developed to predict the effect of missense changes on protein structure and function are either unavailable or do not agree on the potential impact of this missense change. The variant allele was found at a frequency of 0.00059 in 184904 control chromosomes in the gnomAD database, including 1 homozygote. c.7430G>A has been observed in the compound heterozygous state with another missense variant of unknown significance in siblings affected with Polycystic Kidney Disease, with no phenotype observed in the siblings or parents that carried either variant alone (Chang_2013). Because of the lack of additional evidence that these variants are hypomorphic alleles (e.g. mild cystic phenotype in the carriers, occurrence in trans with definitive pathogenic variants in early-onset PKD cases), this report does not provide unequivocal conclusions about association of the variant with PKD1-Biallelic Autosomal Recessive Polycystic Kidney Disease. It was also reported in an ADPKD family without a second variant identified (Zhang_2006), but due to the high occurrence in unaffected heterozygotes, this does not provide unequivocal conclusions about association of the variant with Autosomal Dominant Polycystic Kidney Disease 1. To our knowledge, no experimental evidence demonstrating an impact on protein function has been reported. ClinVar contains an entry for this variant (Variation ID: 803163). The following publications have been ascertained in the context of this evaluation (PMID: 23985799, 28578020, 16767665). Based on the evidence outlined above, the variant was classified as uncertain significance.

Blueprint Genetics
Classification: Likely benign. Last evaluated: 2024-09-09. Review status: criteria provided, single submitter. Criteria: ACMG Guidelines, 2015. Collection method: clinical testing. Allele origin: germline.

Ambry Genetics
Classification: Likely benign for Inborn genetic diseases. Last evaluated: 2023-10-29. Review status: criteria provided, single submitter. Criteria: Ambry Variant Classification Scheme 2023. Collection method: clinical testing. Allele origin: germline.

GeneDx
Classification: Likely benign. Last evaluated: 2020-01-30. Review status: criteria provided, single submitter. Criteria: GeneDx Variant Classification Process June 2021. Collection method: clinical testing. Allele origin: germline. Affected: yes.
Comment: See Variant Classification Assertion Criteria.

Mendelics
Classification: Uncertain significance for Polycystic kidney disease, adult type. Last evaluated: 2019-05-28. Review status: criteria provided, single submitter. Criteria: Mendelics Assertion Criteria 2017. Collection method: clinical testing. Allele origin: unknown.

ARUP Laboratories, Molecular Genetics and Genomics, ARUP Laboratories
Classification: Likely benign for Polycystic kidney disease, adult type. Last evaluated: 2019-01-29. Review status: criteria provided, single submitter. Criteria: ARUP Molecular Germline Variant Investigation Process. Collection method: clinical testing. Allele origin: germline.

PreventionGenetics, part of Exact Sciences
Classification: Uncertain significance for PKD1-related condition. Last evaluated: 2024-08-31. Review status: no assertion criteria provided. Collection method: clinical testing. Allele origin: germline. Not counted in ClinVar's aggregate classification.
Comment: The PKD1 c.7430G>A variant is predicted to result in the amino acid substitution p.Arg2477His. This variant was suggested to be a hypomorphic allele for polycystic kidney disease (ADPKD) (Chang et al. 2013. PubMed ID: 23985799). In the Chang et al. study, the c.7430G>A (p.Arg2477His) variant, in trans with another missense variant (p.Arg3439Trp), was found in two affected siblings. The parents and other siblings who carried only one of these variants were unaffected. A hypomorphic allele, by itself in the heterozygous state, usually causes no disease. However, hypomorphic alleles can cause disease or contribute to disease severity when in trans with a second disease-causing variant. This variant is listed as  “likely benign” in an ADPKD-specific variant database. This variant is reported in 0.70% of alleles in individuals of East Asian descent (with one homozygote) in gnomAD. We suspect this variant is a benign polymorphism, prevalent in the East Asian population. At this time, however, the clinical significance of this variant is uncertain due to the absence of conclusive functional and genetic evidence.

Department of Pathology and Laboratory Medicine, Sinai Health System
Classification: Likely benign for Polycystic Kidney disease. Review status: no assertion criteria provided. Collection method: clinical testing. Allele origin: unknown. Affected: yes. Observed: 1 variant allele. Study: The Canadian Open Genetics Repository (COGR). Not counted in ClinVar's aggregate classification.
Comment: The PKD1 p.Arg2477His variant was identified in 1 of 92 proband chromosomes (frequency: 0.01) from Taiwanese individuals or families with ADPKD and was present in 7 of 131 control chromosomes (frequency: 0.05) from healthy individuals (Chang 2013). In this study, 1 family carried two PKD1 likely hypomorphic alleles (p.Arg2477His and p.Arg3439Trp) and both were incompletely penetrant, segregating with mild disease when present alone and severe disease when they occurred simultaneously. The variant was also identified in the following database: dbSNP (ID: rs556618384), ADPKD Mutation Database (as likely neutral), and in control databases in 125 (1 homozygous) of 211962 chromosomes (frequency: 0.0006) increasing the likelihood this could be a low frequency variant (Genome Aggregation Database Feb 27, 2017). The variant was observed in the following by populations: African in 1 of 18334 chromosomes (freq: 0.00006), Other in 2 of 5342 chromosomes (freq: 0.0004), Latino in 6 of 29510 chromosomes (freq: 0.0002), European Non-Finnish in 6 of 94530 chromosomes (freq: 0.00006), East Asian in 108 (1 homozygous) of 15324 chromosomes (freq: 0.007), and South Asian in 2 of 26416 chromosomes (freq: 0.00008); it was not observed in the Ashkenazi Jewish, or European Finnish populations. The variant was not identified in ClinVar, Clinvitae, Genesight-COGR, and PKD1-LOVD (unavailable) databases. The p.Arg2477 residue is conserved in mammals but not in more distantly related organisms however computational analyses (PolyPhen-2, SIFT, AlignGVGD, BLOSUM, MutationTaster) do not suggest a high likelihood of impact to the protein; this information is not predictive enough to rule out pathogenicity. The variant occurs outside of the splicing consensus sequence and in silico or computational prediction software programs (SpliceSiteFinder, MaxEntScan, NNSPLICE, GeneSplicer, HumanSpliceFinder) do not predict a difference in splicing. In summary, based on the above information the clinical significance of this variant cannot be determined with certainty at this time although we would lean towards a more benign role for this variant. This variant is classified as likely benign.

Literature cited by the submitters: PubMed 23985799 (cited by Women's Health and Genetics/Laboratory Corporation of America, LabCorp and Ambry Genetics); PubMed 28578020 (cited by Women's Health and Genetics/Laboratory Corporation of America, LabCorp and Ambry Genetics); PubMed 16767665 (cited by Women's Health and Genetics/Laboratory Corporation of America, LabCorp).